The following is an entry in ClinVar:

ClinVar aggregate classification (germline): Uncertain significance. Review status: criteria provided, multiple submitters, no conflicts (2 of 4 stars). 2 submissions from 2 submitters: Uncertain significance (2). Last evaluated 2023-01-10.

Conditions:
Inborn genetic diseases. Identifiers: MedGen C0950123, MeSH D030342.

Allele frequency attached by ClinVar (database versions not stated): gnomAD 0.00001 and 0.00002; TOPMed 0.00002.
gnomAD v4.1: 23 of 1,610,872 alleles (0.0014%); highest among the groups gnomAD compares: Middle Eastern, 0.016%; no homozygotes.

Submissions (2):

Ambry Genetics
Classification: Uncertain significance for Inborn genetic diseases. Last evaluated: 2023-01-10. Review status: criteria provided, single submitter. Criteria: Ambry Variant Classification Scheme 2023. Collection method: clinical testing. Allele origin: germline.

Labcorp Genetics (formerly Invitae), Labcorp
Classification: Uncertain significance. Last evaluated: 2022-03-19. Review status: criteria provided, single submitter. Criteria: Invitae Variant Classification Sherloc (09022015). Collection method: clinical testing. Allele origin: germline.
Comment: Algorithms developed to predict the effect of missense changes on protein structure and function (SIFT, PolyPhen-2, Align-GVGD) all suggest that this variant is likely to be tolerated. ClinVar contains an entry for this variant (Variation ID: 938287). This variant has not been reported in the literature in individuals affected with ADAM9-related conditions. This variant is present in population databases (rs775262592, gnomAD 0.004%). This sequence change replaces glycine, which is neutral and non-polar, with alanine, which is neutral and non-polar, at codon 624 of the ADAM9 protein (p.Gly624Ala). In summary, the available evidence is currently insufficient to determine the role of this variant in disease. Therefore, it has been classified as a Variant of Uncertain Significance.

NM_003816.3(ADAM9):c.1871G>C (p.Gly624Ala)

Gene: ADAM9 (ADAM metallopeptidase domain 9; plus strand). Cytogenetic location: 8p11.22.
Variant type: single nucleotide variant.
Coding change: c.1871G>C on transcript NM_003816.3 (MANE Select); coding-DNA position 1871, G replaced by C.
Protein change: p.Gly624Ala; replaces glycine 624 with alanine.
Molecular consequence: missense variant. On other transcripts: non-coding transcript variant (3).
Genome position (GRCh38, 1-based): chr8:39,077,401, G>C. VCF-style: chr8-39077401-G-C. GRCh37 (hg19) VCF-style: chr8-38934920-G-C.
Other names: short protein forms G624A.
Identifiers: ClinVar variation 938287 (VCV000938287.8), dbSNP rs775262592, ClinGen allele CA4721732.
Genomic context (GRCh38, chr8:39,077,401, plus strand): 5'-ATTTCCAGCTAGGATCAGATGTTCCAGATCCTGGGATGGTTAACGAAGGCACAAAATGTG[G>C]TGCTGGAAAGGTAATCAAAATATTTTTTATTTACAAAGTAAAATGAAAAAAATTAAAAAA-3'
Protein context (NP_003807.1, residues 614-634): PGMVNEGTKC[Gly624Ala]AGKICRNFQC